The following is an entry in ClinVar:

NM_133497.4(KCNV2):c.291C>T (p.Ser97=)

Gene: KCNV2 (potassium voltage-gated channel modifier subfamily V member 2; plus strand). Cytogenetic location: 9p24.2.
Variant type: single nucleotide variant.
Coding change: c.291C>T on transcript NM_133497.4 (MANE Select); coding-DNA position 291, C replaced by T.
Protein change: p.Ser97=; no amino-acid change (serine 97 retained).
Molecular consequence: synonymous variant.
Genome position (GRCh38, 1-based): chr9:2,718,030, C>T. VCF-style: chr9-2718030-C-T. GRCh37 (hg19) VCF-style: chr9-2718030-C-T.
Identifiers: ClinVar variation 96358 (VCV000096358.44), dbSNP rs113456345, ClinGen allele CA149459.

ClinVar aggregate classification (germline): Benign/Likely benign. Review status: criteria provided, multiple submitters, no conflicts (2 of 4 stars). 5 submissions from 5 submitters: Benign (2); Likely benign (3). Last evaluated 2026-01-27.

Conditions:
Cone dystrophy with supernormal rod response (CDSRR). Also called: CONE DYSTROPHY WITH SUPERNORMAL ROD RESPONSES. Identifiers: Orphanet 209932, MedGen C1835897, MONDO:0012475, OMIM 610356.

Allele frequency attached by ClinVar (database versions not stated): gnomAD exomes 0.00024 and 0.00053; ExAC 0.00078; 1000 Genomes Project 30x 0.00187; ESP Exome Variant Server 0.00192; gnomAD 0.00216 and 0.00237; 1000 Genomes Project 0.00240; TOPMed 0.00241.
gnomAD v4.1: 709 of 1,612,374 alleles (0.044%); highest among the groups gnomAD compares: African/African-American, 0.82%; 5 homozygotes.

Submissions (5):

Labcorp Genetics (formerly Invitae), Labcorp
Classification: Benign. Last evaluated: 2026-01-27. Review status: criteria provided, single submitter. Criteria: Invitae Variant Classification Sherloc (09022015). Collection method: clinical testing. Allele origin: germline.

Blueprint Genetics
Classification: Likely benign. Last evaluated: 2024-11-13. Review status: criteria provided, single submitter. Criteria: ACMG Guidelines, 2015. Collection method: clinical testing. Allele origin: germline.

CeGaT Center for Human Genetics Tuebingen
Classification: Likely benign. Last evaluated: 2022-08-01. Review status: criteria provided, single submitter. Criteria: CeGaT Center For Human Genetics Tuebingen Variant Classification Criteria Version 2. Collection method: clinical testing. Allele origin: germline. Affected: yes. Observed: 1 variant allele.
Comment: KCNV2: BP4, BP7

Illumina Laboratory Services, Illumina
Classification: Likely benign for Cone dystrophy with supernormal rod response. Last evaluated: 2018-01-12. Review status: criteria provided, single submitter. Criteria: ICSL Variant Classification Criteria 13 December 2019. Collection method: clinical testing. Allele origin: germline.
Comment: This variant was observed in the ICSL laboratory as part of a predisposition screen in an ostensibly healthy population. It had not been previously curated by ICSL or reported in the Human Gene Mutation Database (HGMD: prior to June 1st, 2018), and was therefore a candidate for classification through an automated scoring system. Utilizing variant allele frequency, disease prevalence and penetrance estimates, and inheritance mode, an automated score was calculated to assess if this variant is too frequent to cause the disease. Based on the score and internal cut-off values, a variant classified as likely benign is not then subjected to further curation. The score for this variant resulted in a classification of likely benign for this disease.

Eurofins Ntd Llc (ga)
Classification: Benign. Last evaluated: 2013-09-23. Review status: criteria provided, single submitter. Criteria: EGL Classification Definitions 2015. Collection method: clinical testing. Allele origin: germline. Observed: 2 variant alleles, 2 heterozygotes.